The following is an entry in ClinVar:

GRCh37/hg19 21q22.11(chr21:32589903-35359935)

Genes: ATP5PO (ATP synthase peripheral stalk subunit OSCP; minus strand), C21orf62 (chromosome 21 open reading frame 62; minus strand), CFAP298 (cilia and flagella associated protein 298; minus strand), CRYZL1 (crystallin zeta like 1; minus strand), DNAJC28 (DnaJ heat shock protein family (Hsp40) member C28; minus strand) and 22 more. Cytogenetic location: 21q22.11.
Variant type: copy number loss.
Identifiers: ClinVar variation 625736 (VCV000625736.1).

ClinVar aggregate classification (germline): Pathogenic (1 of 4 stars; one submission).

Submission:

Baylor Genetics
Classification: Pathogenic. Last evaluated: 2018-11-01. Review status: criteria provided, single submitter. Criteria: ACMG CNV Guidelines, 2011. Collection method: clinical testing. Allele origin: germline. Affected: yes. Observed: 1 variant allele.
Comment: Deletions involving this region have been previously reported in patients with developmental delay, microcephaly, and brain structural anomalies (PMID: 24458657).